The following is an entry in ClinVar:

ClinVar aggregate classification (germline): Uncertain significance (1 of 4 stars; one submission).

Conditions:
Aspartylglucosaminuria (AGU). Also called: Aspartylglucos-aminuria; Aspartylglucos-amidase (AGA) deficiency; AGA DEFICIENCY; GLYCOASPARAGINASE; GLYCOSYLASPARAGINASE DEFICIENCY. Identifiers: Orphanet 93, MedGen C0268225, MONDO:0008830, OMIM 208400, HP:0012068.

Allele frequency attached by ClinVar (database versions not stated): TOPMed below 0.00001; gnomAD 0.00001; gnomAD exomes 0.00002; ExAC 0.00005.
gnomAD v4.1: 27 of 1,612,948 alleles (0.0017%); highest among the groups gnomAD compares: South Asian, 0.029%; no homozygotes.

Submission:

Labcorp Genetics (formerly Invitae), Labcorp
Classification: Uncertain significance for Aspartylglucosaminuria. Last evaluated: 2025-08-18. Review status: criteria provided, single submitter. Criteria: Invitae Variant Classification Sherloc (09022015). Collection method: clinical testing. Allele origin: germline.
Comment: This sequence change replaces valine, which is neutral and non-polar, with methionine, which is neutral and non-polar, at codon 114 of the AGA protein (p.Val114Met). This variant is present in population databases (rs760486007, gnomAD 0.03%). This variant has not been reported in the literature in individuals affected with AGA-related conditions. ClinVar contains an entry for this variant (Variation ID: 2167518). Invitae Evidence Modeling of protein sequence and biophysical properties (such as structural, functional, and spatial information, amino acid conservation, physicochemical variation, residue mobility, and thermodynamic stability) indicates that this missense variant is expected to disrupt AGA protein function with a positive predictive value of 80%. Algorithms developed to predict the effect of sequence changes on RNA splicing suggest that this variant may create or strengthen a splice site. In summary, the available evidence is currently insufficient to determine the role of this variant in disease. Therefore, it has been classified as a Variant of Uncertain Significance.

NM_000027.4(AGA):c.340G>A (p.Val114Met)

Gene: AGA (aspartylglucosaminidase; minus strand). Cytogenetic location: 4q34.3.
Variant type: single nucleotide variant.
Coding change: c.340G>A on transcript NM_000027.4 (MANE Select); coding-DNA position 340, G replaced by A.
Protein change: p.Val114Met; replaces valine 114 with methionine.
Molecular consequence: missense variant. On other transcripts: non-coding transcript variant (1).
Genome position (GRCh38, 1-based): chr4:177,439,630, C>T on the plus strand (G>A on the coding strand, the complement: AGA is on the minus strand). VCF-style: chr4-177439630-C-T. GRCh37 (hg19) VCF-style: chr4-178360784-C-T.
Other names: c.340G>A, p.Val114Met (NM_001171988.2); short protein forms V114M.
Identifiers: ClinVar variation 2167518 (VCV002167518.2), dbSNP rs760486007, ClinGen allele CA3146949.
Genomic context (GRCh38, chr4:177,439,630, plus strand): 5'-AAATACCTGACTCTCCTACTAAAAGTGTGTGTGTTGTATGTTCCAGTACTTTCCGTGCCA[C>T]ACCAATAGCATTTTTAATTCGTCTGAGATCTCCTACTGCTCCTACATCCATAGTAGTGCT-3'
Protein context (NP_000018.2, residues 104-124): DLRRIKNAIG[Val114Met]ARKVLEHTTH